The following is an entry in ClinVar:

NM_024753.5(TTC21B):c.1854G>A (p.Ser618=)

Gene: TTC21B (tetratricopeptide repeat domain 21B; minus strand). Cytogenetic location: 2q24.3.
Variant type: single nucleotide variant.
Coding change: c.1854G>A on transcript NM_024753.5 (MANE Select); coding-DNA position 1854, G replaced by A.
Protein change: p.Ser618=; no amino-acid change (serine 618 retained).
Molecular consequence: synonymous variant.
Genome position (GRCh38, 1-based): chr2:165,917,302, C>T on the plus strand (G>A on the coding strand, the complement: TTC21B is on the minus strand). VCF-style: chr2-165917302-C-T. GRCh37 (hg19) VCF-style: chr2-166773812-C-T.
Other names: c.1854G>A (NM_024753.4).
Identifiers: ClinVar variation 1108291 (VCV001108291.11), dbSNP rs529997599, ClinGen allele CA1942003.

ClinVar aggregate classification (germline): Likely benign. Review status: criteria provided, multiple submitters, no conflicts (2 of 4 stars). 3 submissions from 3 submitters: Likely benign (3). Last evaluated 2025-06-08.

Conditions:
Jeune thoracic dystrophy. Also called: Jeune syndrome; Infantile thoracic dystrophy; Thoracic pelvic phalangeal dystrophy; Jeune's syndrome; Chondroectodermal dysplasia-like syndrome; Short-rib thoracic dysplasia. Identifiers: Orphanet 474, MedGen C0265275, MONDO:0018770.
Nephronophthisis. Also called: Juvenile Nephronophthisis. Identifiers: Orphanet 655, MedGen C0687120, MONDO:0019005, HP:0000090.
TTC21B-related disorder. Also called: TTC21B-related condition; TTC21B-related disorders.

Allele frequency attached by ClinVar (database versions not stated): gnomAD exomes 0.00003; ExAC 0.00004; gnomAD 0.00004 and 0.00005; TOPMed 0.00005; 1000 Genomes Project 30x 0.00016; 1000 Genomes Project 0.00020.
gnomAD v4.1: 50 of 1,614,164 alleles (0.0031%); highest among the groups gnomAD compares: African/African-American, 0.0093%; no homozygotes.

Submissions (3):

Labcorp Genetics (formerly Invitae), Labcorp
Classification: Likely benign for Jeune thoracic dystrophy; Nephronophthisis. Last evaluated: 2025-06-08. Review status: criteria provided, single submitter. Criteria: Invitae Variant Classification Sherloc (09022015). Collection method: clinical testing. Allele origin: germline.

PreventionGenetics, part of Exact Sciences
Classification: Likely benign for TTC21B-related condition. Last evaluated: 2025-04-30. Review status: criteria provided, single submitter. Criteria: ACMG Guidelines, 2015. Collection method: clinical testing. Allele origin: germline.
Comment: This variant is classified as likely benign based on ACMG/AMP sequence variant interpretation guidelines (Richards et al. 2015 PMID: 25741868, with internal and published modifications).

Blueprint Genetics
Classification: Likely benign. Last evaluated: 2024-08-28. Review status: criteria provided, single submitter. Criteria: ACMG Guidelines, 2015. Collection method: clinical testing. Allele origin: germline.